The following is an entry in ClinVar:

ClinVar aggregate classification (germline): Uncertain significance (1 of 4 stars; one submission).

Submission:

Labcorp Genetics (formerly Invitae), Labcorp
Classification: Uncertain significance. Last evaluated: 2021-08-15. Review status: criteria provided, single submitter. Criteria: Invitae Variant Classification Sherloc (09022015). Collection method: clinical testing. Allele origin: germline.
Comment: This sequence change replaces aspartic acid with glycine at codon 404 of the KARS protein (p.Asp404Gly). The aspartic acid residue is moderately conserved and there is a moderate physicochemical difference between aspartic acid and glycine. This variant is not present in population databases (ExAC no frequency). This variant has not been reported in the literature in individuals affected with KARS-related conditions. Algorithms developed to predict the effect of missense changes on protein structure and function are either unavailable or do not agree on the potential impact of this missense change (SIFT: "Deleterious"; PolyPhen-2: "Benign"; Align-GVGD: "Class C15"). Algorithms developed to predict the effect of sequence changes on RNA splicing suggest that this variant may create or strengthen a splice site. In summary, the available evidence is currently insufficient to determine the role of this variant in disease. Therefore, it has been classified as a Variant of Uncertain Significance.

NM_005548.3(KARS1):c.1127A>G (p.Asp376Gly)

Gene: KARS1 (lysyl-tRNA synthetase 1; minus strand). Cytogenetic location: 16q23.1.
Variant type: single nucleotide variant.
Coding change: c.1127A>G on transcript NM_005548.3 (MANE Select); coding-DNA position 1127, A replaced by G.
Protein change: p.Asp376Gly; replaces aspartic acid 376 with glycine.
Molecular consequence: missense variant.
Genome position (GRCh38, 1-based): chr16:75,631,541, T>C on the plus strand (A>G on the coding strand, the complement: KARS1 is on the minus strand). VCF-style: chr16-75631541-T-C. GRCh37 (hg19) VCF-style: chr16-75665439-T-C.
Other names: c.1211A>G, p.Asp404Gly (NM_001130089.2); c.659A>G, p.Asp220Gly (NM_001378148.1); short protein forms D220G, D376G, D404G.
Identifiers: ClinVar variation 1682421 (VCV001682421.6), dbSNP rs2151802087, ClinGen allele CA396811843.